The following is an entry in ClinVar:

ClinVar aggregate classification (germline): Uncertain significance (1 of 4 stars; one submission).

Submission:

Labcorp Genetics (formerly Invitae), Labcorp
Classification: Uncertain significance. Last evaluated: 2024-06-28. Review status: criteria provided, single submitter. Criteria: Invitae Variant Classification Sherloc (09022015). Collection method: clinical testing. Allele origin: germline.
Comment: This sequence change replaces leucine, which is neutral and non-polar, with phenylalanine, which is neutral and non-polar, at codon 998 of the RAI1 protein (p.Leu998Phe). This variant is not present in population databases (gnomAD no frequency). This variant has not been reported in the literature in individuals affected with RAI1-related conditions. Advanced modeling of protein sequence and biophysical properties (such as structural, functional, and spatial information, amino acid conservation, physicochemical variation, residue mobility, and thermodynamic stability) has been performed at Invitae for this missense variant, however the output from this modeling did not meet the statistical confidence thresholds required to predict the impact of this variant on RAI1 protein function. In summary, the available evidence is currently insufficient to determine the role of this variant in disease. Therefore, it has been classified as a Variant of Uncertain Significance.

NM_030665.4(RAI1):c.2994A>T (p.Leu998Phe)

Gene: RAI1 (retinoic acid induced 1; plus strand). Cytogenetic location: 17p11.2.
Variant type: single nucleotide variant.
Coding change: c.2994A>T on transcript NM_030665.4 (MANE Select); coding-DNA position 2994, A replaced by T.
Protein change: p.Leu998Phe; replaces leucine 998 with phenylalanine.
Molecular consequence: missense variant.
Genome position (GRCh38, 1-based): chr17:17,795,942, A>T. VCF-style: chr17-17795942-A-T. GRCh37 (hg19) VCF-style: chr17-17699256-A-T.
Other names: short protein forms L998F.
Identifiers: ClinVar variation 3658117 (VCV003658117.2).